The following is an entry in ClinVar:

NM_004415.4(DSP):c.273+1dup

Gene: DSP (desmoplakin; plus strand). Cytogenetic location: 6p24.3.
Variant type: Duplication.
Coding change: c.273+1dup on transcript NM_004415.4 (MANE Select); the canonical splice donor site of the intron after coding-DNA position 273, one base duplicated (G; older notation c.273+1dupG).
Molecular consequence: splice donor variant.
Genome position (GRCh38, 1-based): chr6:7,555,821, G duplicated. VCF-style (leftmost placement, unchanged base first): chr6-7555820-T-TG. GRCh37 (hg19) VCF-style: chr6-7556053-T-TG.
Other names: c.273+1dup (NM_001319034.2, NM_001008844.3, NM_001406591.1).
Identifiers: ClinVar variation 4757472 (VCV004757472.1).

ClinVar aggregate classification (germline): Uncertain significance (1 of 4 stars; one submission).

Conditions:
Cardiomyopathy (CMYO). Also called: Cardiomyopathies. Identifiers: Orphanet 167848, MedGen C0878544, MONDO:0004994, HP:0001638. Inheritance: Various modes of inheritance.

Submission:

Color Diagnostics, LLC DBA Color Health
Classification: Uncertain significance for Cardiomyopathy. Last evaluated: 2025-07-14. Review status: criteria provided, single submitter. Criteria: ACMG Guidelines, 2015. Collection method: clinical testing. Allele origin: germline.
Comment: This variant inserts 1 nucleotide in intron 2 of the DSP gene. To our knowledge, this variant has not been reported in individuals affected with DSP-related disorders in the literature. This variant has not been identified in the general population by the Genome Aggregation Database (gnomAD). Loss of DSP function is a known mechanism of disease. The available evidence is insufficient to determine the role of this variant in disease conclusively. Therefore, this variant is classified as a Variant of Uncertain Significance.